The following is an entry in ClinVar:

ClinVar aggregate classification (germline): Pathogenic (1 of 4 stars; one submission).

Conditions:
Bardet-Biedl syndrome (BBS). Identifiers: Orphanet 110, MedGen C0752166, MONDO:0015229.

Submission:

Labcorp Genetics (formerly Invitae), Labcorp
Classification: Pathogenic for Bardet-Biedl syndrome. Last evaluated: 2023-09-27. Review status: criteria provided, single submitter. Criteria: Invitae Variant Classification Sherloc (09022015). Collection method: clinical testing. Allele origin: germline.
Comment: For these reasons, this variant has been classified as Pathogenic. Retrotransposon insertions including LINE1 (L1), Alu, and SVA (SINE-VNTR-Alu) have been reported to be disease-causing through disruption of either a coding region or splice site (PMID: 19763152, 20307669, 22406018) and loss-of-function variants in BBS2 are known to be pathogenic (PMID: 11285252, 20177705, 24608809, 26518167). This variant has not been reported in the literature in individuals affected with BBS2-related conditions. This variant is not present in population databases (gnomAD no frequency). This sequence change inserts a large fragment of DNA, likely a transposable element, in exon 10 of the BBS2 gene (c.1221_1222ins?), causing a frameshift at codon 408 (p.Asn408fs). The exact size and sequence of the insertion cannot be determined by the current assay. However, the insertion is expected to result in an absent or disrupted protein product.

Literature cited by the submitters: PubMed 19763152; PubMed 20307669; PubMed 22406018; PubMed 11285252; PubMed 20177705; PubMed 24608809; PubMed 26518167.

NM_031885.5(BBS2):c.1221_1222insTTTTTTTTTTTTTTTTTTTTNNNNNNNNNNGCGATAGTTTACTGAGAATGATGGTTTCCAATTTCATCCATGTCCCTACAAAGGATATGAACTCATCATTTTTCGCATTTCCACTTCT (p.Asn408delinsPhePhePhePhePhePheXaaXaaXaaXaaAlaIleValTyrTer)

Gene: BBS2 (Bardet-Biedl syndrome 2; minus strand). Cytogenetic location: 16q13.
Variant type: Insertion.
Coding change: c.1221_1222insTTTTTTTTTTTTTTTTTTTTNNNNNNNNNNGCGATAGTTTACTGAGAATGATGGTTTCCAATTTCATCCATGTCCCTACAAAGGATATGAACTCATCATTTTTCGCATTTCCACTTCT on transcript NM_031885.5 (MANE Select); coding-DNA positions 1221 to 1222, TTTTTTTTTTTTTTTTTTTTNNNNNNNNNNGCGATAGTTTACTGAGAATGATGGTTTCCAATTTCATCCATGTCCCTACAAAGGATATGAACTCATCATTTTTCGCATTTCCACTTCT inserted.
Protein change: p.Asn408delinsPhePhePhePhePhePheXaaXaaXaaXaaAlaIleValTyrTer.
Molecular consequence: nonsense. On other transcripts: non-coding transcript variant (5).
Genome position: GRCh38: chr16:56,501,371-56,501,372. GRCh37 (hg19): chr16:56,535,283-56,535,284.
Other names: c.1221_1222insTTTTTTTTTTTTTTTTTTTTNNNNNNNNNNGCGATAGTTTACTGAGAATGATGGTTTCCAATTTCATCCATGTCCCTACAAAGGATATGAACTCATCATTTTTCGCATTTCCACTTCT, p.Asn408delinsPhePhePhePhePhePheXaaXaaXaaXaaAlaIleValTyrTer (NM_001377456.1).
Identifiers: ClinVar variation 2834917 (VCV002834917.3), dbSNP rs2543709020.